The following is an entry in ClinVar:

NM_007194.4(CHEK2):c.1062A>G (p.Leu354=)

Gene: CHEK2 (checkpoint kinase 2; minus strand). Cytogenetic location: 22q12.1.
Variant type: single nucleotide variant.
Coding change: c.1062A>G on transcript NM_007194.4 (MANE Select); coding-DNA position 1062, A replaced by G.
Protein change: p.Leu354=; no amino-acid change (leucine 354 retained).
Molecular consequence: synonymous variant. On other transcripts: intron variant (3).
Genome position (GRCh38, 1-based): chr22:28,696,934, T>C on the plus strand (A>G on the coding strand, the complement: CHEK2 is on the minus strand). VCF-style: chr22-28696934-T-C. GRCh37 (hg19) VCF-style: chr22-29092922-T-C.
Other names: c.1191A>G, p.Leu397= (NM_001005735.3); c.399A>G, p.Leu133= (NM_001257387.3, NM_001437942.1); c.861A>G, p.Leu287= (NM_001349956.3); c.1155A>G, p.Leu385= (NM_001438293.1); c.1009-1061A>G (NM_145862.3); c.1102-1061A>G (NM_001438295.1); c.1138-1061A>G (NM_001438294.1).
Identifiers: ClinVar variation 1780570 (VCV001780570.6), dbSNP rs1427613188, ClinGen allele CA513944975.

ClinVar aggregate classification (germline): Benign/Likely benign. Review status: criteria provided, multiple submitters, no conflicts (2 of 4 stars). 3 submissions from 3 submitters: Benign (1); Likely benign (2). Last evaluated 2025-04-17.

Conditions:
Hereditary cancer-predisposing syndrome. Also called: Neoplastic Syndromes, Hereditary; Tumor predisposition; Hereditary Cancer Syndrome; Hereditary neoplastic syndrome. Identifiers: Orphanet 140162, MedGen C0027672, MeSH D009386, MONDO:0015356.
Familial cancer of breast. Also called: BREAST CANCER, FAMILIAL; Hereditary breast cancer; hereditary breast carcinoma. Identifiers: Orphanet 227535, MedGen C0346153, MONDO:0016419, OMIM 114480. Disease mechanism: loss of function.

Submissions (3):

Labcorp Genetics (formerly Invitae), Labcorp
Classification: Likely benign for Familial cancer of breast. Last evaluated: 2025-04-17. Review status: criteria provided, single submitter. Criteria: Invitae Variant Classification Sherloc (09022015). Collection method: clinical testing. Allele origin: germline.

Myriad Genetics, Inc.
Classification: Benign for Familial cancer of breast. Last evaluated: 2024-10-04. Review status: criteria provided, single submitter. Criteria: Myriad Autosomal Dominant, Autosomal Recessive and X-Linked Classification Criteria (2023). Collection method: clinical testing. Allele origin: unknown.
Comment: This variant is considered benign. This variant is a silent/synonymous amino acid change and it is not expected to impact splicing.

Ambry Genetics
Classification: Likely benign for Hereditary cancer-predisposing syndrome. Last evaluated: 2019-11-18. Review status: criteria provided, single submitter. Criteria: Ambry Variant Classification Scheme 2023. Collection method: clinical testing. Allele origin: germline.